The following is an entry in ClinVar:

NM_032043.3(BRIP1):c.1136A>G (p.Glu379Gly)

Gene: BRIP1 (BRCA1 interacting DNA helicase 1; minus strand). Cytogenetic location: 17q23.2.
Variant type: single nucleotide variant.
Coding change: c.1136A>G on transcript NM_032043.3 (MANE Select); coding-DNA position 1136, A replaced by G.
Protein change: p.Glu379Gly; replaces glutamic acid 379 with glycine.
Molecular consequence: missense variant.
Genome position (GRCh38, 1-based): chr17:61,801,257, T>C on the plus strand (A>G on the coding strand, the complement: BRIP1 is on the minus strand). VCF-style: chr17-61801257-T-C. GRCh37 (hg19) VCF-style: chr17-59878618-T-C.
Other names: short protein forms E379G.
Identifiers: ClinVar variation 481640 (VCV000481640.13), dbSNP rs1555607635, ClinGen allele CA400483859.

ClinVar aggregate classification (germline): Uncertain significance. Review status: criteria provided, multiple submitters, no conflicts (2 of 4 stars). 2 submissions from 2 submitters: Uncertain significance (2). Last evaluated 2024-01-21.

Conditions:
Hereditary cancer-predisposing syndrome. Also called: Hereditary neoplastic syndrome; Neoplastic Syndromes, Hereditary; Tumor predisposition; Hereditary Cancer Syndrome. Identifiers: Orphanet 140162, MedGen C0027672, MeSH D009386, MONDO:0015356.
Fanconi anemia complementation group J. Also called: BRIP1-Related Fanconi Anemia. Identifiers: Orphanet 84, MedGen C1836860, MONDO:0012187, OMIM 609054.
Familial cancer of breast. Also called: BREAST CANCER, FAMILIAL; Hereditary breast cancer; hereditary breast carcinoma. Identifiers: Orphanet 227535, MedGen C0346153, MONDO:0016419, OMIM 114480. Disease mechanism: loss of function.

Submissions (2):

Labcorp Genetics (formerly Invitae), Labcorp
Classification: Uncertain significance for Familial cancer of breast; Fanconi anemia complementation group J. Last evaluated: 2024-01-21. Review status: criteria provided, single submitter. Criteria: Invitae Variant Classification Sherloc (09022015). Collection method: clinical testing. Allele origin: germline.
Comment: This sequence change replaces glutamic acid, which is acidic and polar, with glycine, which is neutral and non-polar, at codon 379 of the BRIP1 protein (p.Glu379Gly). This variant is not present in population databases (gnomAD no frequency). This variant has not been reported in the literature in individuals affected with BRIP1-related conditions. ClinVar contains an entry for this variant (Variation ID: 481640). Advanced modeling of protein sequence and biophysical properties (such as structural, functional, and spatial information, amino acid conservation, physicochemical variation, residue mobility, and thermodynamic stability) performed at Invitae indicates that this missense variant is not expected to disrupt BRIP1 protein function with a negative predictive value of 80%. In summary, the available evidence is currently insufficient to determine the role of this variant in disease. Therefore, it has been classified as a Variant of Uncertain Significance.

Ambry Genetics
Classification: Uncertain significance for Hereditary cancer-predisposing syndrome. Last evaluated: 2022-03-24. Review status: criteria provided, single submitter. Criteria: Ambry Variant Classification Scheme 2023. Collection method: clinical testing. Allele origin: germline.
Comment: The p.E379G variant (also known as c.1136A>G), located in coding exon 7 of the BRIP1 gene, results from an A to G substitution at nucleotide position 1136. The glutamic acid at codon 379 is replaced by glycine, an amino acid with similar properties. This amino acid position is highly conserved in available vertebrate species. In addition, the in silico prediction for this alteration is inconclusive. Since supporting evidence is limited at this time, the clinical significance of this alteration remains unclear.